The following is an entry in ClinVar:

NM_018699.4(PRDM5):c.1623+1G>A

Gene: PRDM5 (PR/SET domain 5; minus strand). Cytogenetic location: 4q27.
Variant type: single nucleotide variant.
Coding change: c.1623+1G>A on transcript NM_018699.4 (MANE Select); the canonical splice donor site of the intron after coding-DNA position 1623, G replaced by A.
Molecular consequence: splice donor variant. On other transcripts: intron variant (1).
Genome position (GRCh38, 1-based): chr4:120,754,552, C>T on the plus strand (G>A on the coding strand, the complement: PRDM5 is on the minus strand). VCF-style: chr4-120754552-C-T. GRCh37 (hg19) VCF-style: chr4-121675707-C-T.
Other names: c.1444+22636G>A (NM_001300824.2); c.1530+1G>A (NM_001379106.1, NM_001300823.2); c.1656+1G>A (NM_001379104.1).
Identifiers: ClinVar variation 4537301 (VCV004537301.2).
Genomic context (GRCh38, chr4:120,754,552, plus strand): 5'-TTTCTTTTAAAATAAGTATGGTTTTCATGATCAATATTAATGAAACAGAATATAATCTTA[C>T]CCTGGTGTGAGTACGAATGTGCATCTTCAGTCCATCATTTTTACTGAATCCTTTTTCACA-3'

ClinVar aggregate classification (germline): Likely pathogenic. Review status: criteria provided, multiple submitters, no conflicts (2 of 4 stars). 2 submissions from 2 submitters: Likely pathogenic (2). Last evaluated 2025-11-19.

Conditions:
Brittle cornea syndrome 2 (BCS2). Identifiers: Orphanet 90354, MedGen C3280011, MONDO:0013605, OMIM 614170.

Submissions (2):

Women's Health and Genetics/Laboratory Corporation of America, LabCorp
Classification: Likely pathogenic for Brittle cornea syndrome 2. Last evaluated: 2025-11-19. Review status: criteria provided, single submitter. Criteria: LabCorp Variant Classification Summary - May 2015. Collection method: clinical testing. Allele origin: germline.
Comment: Variant summary: PRDM5 c.1623+1G>A is located in a canonical splice-site and is predicted to affect mRNA splicing resulting in a significantly altered protein due to either exon skipping, shortening, or inclusion of intronic material. Variants that disrupt the consensus splice site are a relatively common cause of aberrant splicing and loss of PRDM5 function. Several computational tools predict a significant impact on normal splicing: Three predict the variant abolishes the canonical 5' splicing donor site. One predict the variant no significant impact on splicing. However, these predictions have yet to be confirmed by functional studies. The variant allele was found at a frequency of 4e-06 in 250876 control chromosomes. To our knowledge, no occurrence of c.1623+1G>A in individuals affected with PRDM5-related conditions and no experimental evidence demonstrating its impact on protein function have been reported. No submitters have cited clinical-significance assessments for this variant to ClinVar. Based on the evidence outlined above, the variant was classified as likely pathogenic.

Labcorp Genetics (formerly Invitae), Labcorp
Classification: Likely pathogenic. Last evaluated: 2025-03-26. Review status: criteria provided, single submitter. Criteria: Invitae Variant Classification Sherloc (09022015). Collection method: clinical testing. Allele origin: germline.
Comment: This sequence change affects a donor splice site in intron 14 of the PRDM5 gene. It is expected to disrupt RNA splicing. Variants that disrupt the donor or acceptor splice site typically lead to a loss of protein function (PMID: 16199547), and loss-of-function variants in PRDM5 are known to be pathogenic (PMID: 21664999, 26395458). This variant is present in population databases (no rsID available, gnomAD 0.0009%). This variant has not been reported in the literature in individuals affected with PRDM5-related conditions. Algorithms developed to predict the effect of sequence changes on RNA splicing suggest that this variant may disrupt the consensus splice site. In summary, the currently available evidence indicates that the variant is pathogenic, but additional data are needed to prove that conclusively. Therefore, this variant has been classified as Likely Pathogenic.

Literature cited by the submitters: PubMed 16199547 (cited by Labcorp Genetics (formerly Invitae), Labcorp); PubMed 21664999 (cited by Labcorp Genetics (formerly Invitae), Labcorp); PubMed 26395458 (cited by Labcorp Genetics (formerly Invitae), Labcorp).